The following is an entry in ClinVar:

NM_183050.4(BCKDHB):c.461del (p.Phe154fs)

Gene: BCKDHB (branched chain keto acid dehydrogenase E1 subunit beta; plus strand). Cytogenetic location: 6q14.1.
Variant type: Deletion.
Coding change: c.461del on transcript NM_183050.4 (MANE Select); coding-DNA position 461, one base deleted (T; older notation c.461delT).
Protein change: p.Phe154fs; shifts the reading frame from phenylalanine 154.
Molecular consequence: frameshift variant. On other transcripts: non-coding transcript variant (6).
Genome position (GRCh38, 1-based): chr6:80,167,795, T deleted; the last of 4 consecutive T bases (chr6:80,167,792-80,167,795); deleting any one gives the same sequence. VCF-style (leftmost placement, unchanged base first): chr6-80167791-AT-A. GRCh37 (hg19) VCF-style: chr6-80877508-AT-A.
Other names: c.461del, p.Phe154fs (NM_000056.5, NM_001424035.1, NM_001424036.1 and 8 more transcripts); c.251del, p.Phe84fs (NM_001318975.1, NM_001424043.1); short protein forms F154fs, F84fs.
Identifiers: ClinVar variation 5015126 (VCV005015126.1).

ClinVar aggregate classification (germline): Pathogenic (1 of 4 stars; one submission).

Conditions:
Maple syrup urine disease type 1B (MSUD1B). Also called: MSUD type IB; MSUD type 3 (formerly); MSUD due to deficiency of e1-beta subunit of branched-chain alpha-keto acid dehydrogenase complex. Identifiers: MedGen C2930990, MONDO:0023692, OMIM 620698.

Submission:

Myriad Genetics, Inc.
Classification: Pathogenic for Maple syrup urine disease type 1B. Last evaluated: 2025-10-21. Review status: criteria provided, single submitter. Criteria: Myriad Autosomal Dominant, Autosomal Recessive and X-Linked Classification Criteria (2023). Collection method: clinical testing. Allele origin: unknown.
Comment: NM_183050.2(BCKDHB):c.461delT(F154Sfs*76) is expected to be pathogenic in the context of maple syrup urine disease type Ib. This variant is predicted to lead to an abnormal or absent protein product due to the creation of a premature termination codon in BCKDHB, a gene where loss-of-function variants are known to be pathogenic. Please note: this variant was assessed in the context of healthy population screening.